The following is an entry in ClinVar:

NM_006306.4(SMC1A):c.733_734del (p.Lys245fs)

Gene: SMC1A (structural maintenance of chromosomes 1A; minus strand). Cytogenetic location: Xp11.22.
Variant type: Deletion.
Coding change: c.733_734del on transcript NM_006306.4 (MANE Select); coding-DNA positions 733 to 734, 2 bases deleted (AA; older notation c.733_734delAA).
Protein change: p.Lys245fs; shifts the reading frame from lysine 245.
Molecular consequence: frameshift variant.
Genome position (GRCh38, 1-based): chrX:53,413,020-53,413,021, TT deleted on the plus strand (AA on the coding strand, the reverse complement: SMC1A is on the minus strand); deleting any 2 consecutive bases within chrX:53,413,020-53,413,022 gives the same sequence; the c. name uses the placement nearest the transcript's 3' end. VCF-style (leftmost placement, unchanged base first): chrX-53413019-CTT-C. GRCh37 (hg19) VCF-style: chrX-53439969-CTT-C.
Other names: c.667_668del, p.Lys223fs (NM_001281463.1); short protein forms K223fs, K245fs.
Identifiers: ClinVar variation 1455114 (VCV001455114.6), dbSNP rs2146605369, ClinGen allele CA2573159053.

ClinVar aggregate classification (germline): Pathogenic (1 of 4 stars; one submission).

Conditions:
Congenital muscular hypertrophy-cerebral syndrome (CDLS2). Also called: SMC1A-Related Cornelia de Lange Syndrome; Cornelia de Lange syndrome 2. Identifiers: Orphanet 199, MedGen C1802395, MONDO:0010370, OMIM 300590.

Submission:

Labcorp Genetics (formerly Invitae), Labcorp
Classification: Pathogenic for Congenital muscular hypertrophy-cerebral syndrome. Last evaluated: 2022-07-25. Review status: criteria provided, single submitter. Criteria: Invitae Variant Classification Sherloc (09022015). Collection method: clinical testing. Allele origin: germline.
Comment: This sequence change creates a premature translational stop signal (p.Lys245Glufs*17) in the SMC1A gene. It is expected to result in an absent or disrupted protein product. Loss-of-function variants in SMC1A are known to be pathogenic (PMID: 26386245, 27334371, 28166369, 28548707, 31334757). This variant is not present in population databases (gnomAD no frequency). This variant has not been reported in the literature in individuals affected with SMC1A-related conditions. ClinVar contains an entry for this variant (Variation ID: 1455114). For these reasons, this variant has been classified as Pathogenic.

Literature cited by the submitters: PubMed 26386245; PubMed 27334371; PubMed 28166369; PubMed 28548707; PubMed 31334757.